The following is an entry in ClinVar:

NM_005045.4(RELN):c.523C>G (p.Gln175Glu)

Gene: RELN (reelin; minus strand). Cytogenetic location: 7q22.1.
Variant type: single nucleotide variant.
Coding change: c.523C>G on transcript NM_005045.4 (MANE Select); coding-DNA position 523, C replaced by G.
Protein change: p.Gln175Glu; replaces glutamine 175 with glutamic acid.
Molecular consequence: missense variant.
Genome position (GRCh38, 1-based): chr7:103,776,578, G>C on the plus strand (C>G on the coding strand, the complement: RELN is on the minus strand). VCF-style: chr7-103776578-G-C. GRCh37 (hg19) VCF-style: chr7-103417025-G-C.
Other names: c.523C>G, p.Gln175Glu (NM_173054.3); short protein forms Q175E.
Identifiers: ClinVar variation 2125712 (VCV002125712.4), dbSNP rs2485111177, ClinGen allele CA368930520.

ClinVar aggregate classification (germline): Uncertain significance (1 of 4 stars; one submission).

Conditions:
Norman-Roberts syndrome (LIS2). Also called: Lissencephaly 2 (Norman-Roberts type). Identifiers: Orphanet 89844, MedGen C0796089, MONDO:0009760, OMIM 257320.
Familial temporal lobe epilepsy 7. Identifiers: Orphanet 101046, MedGen C4225327, MONDO:0014639, OMIM 616436.

Submission:

Labcorp Genetics (formerly Invitae), Labcorp
Classification: Uncertain significance for Familial temporal lobe epilepsy 7; Norman-Roberts syndrome. Last evaluated: 2022-04-12. Review status: criteria provided, single submitter. Criteria: Invitae Variant Classification Sherloc (09022015). Collection method: clinical testing. Allele origin: germline.
Comment: This sequence change replaces glutamine, which is neutral and polar, with glutamic acid, which is acidic and polar, at codon 175 of the RELN protein (p.Gln175Glu). This variant is not present in population databases (gnomAD no frequency). This variant has not been reported in the literature in individuals affected with RELN-related conditions. Algorithms developed to predict the effect of missense changes on protein structure and function are either unavailable or do not agree on the potential impact of this missense change (SIFT: "Deleterious"; PolyPhen-2: "Benign"; Align-GVGD: "Class C0"). In summary, the available evidence is currently insufficient to determine the role of this variant in disease. Therefore, it has been classified as a Variant of Uncertain Significance.